The following is an entry in ClinVar:

NM_000548.5(TSC2):c.5121C>T (p.Asn1707=)

Gene: TSC2 (TSC complex subunit 2; plus strand). Cytogenetic location: 16p13.3.
Variant type: single nucleotide variant.
Coding change: c.5121C>T on transcript NM_000548.5 (MANE Select); coding-DNA position 5121, C replaced by T.
Protein change: p.Asn1707=; no amino-acid change (asparagine 1707 retained).
Molecular consequence: synonymous variant. On other transcripts: non-coding transcript variant (5).
Genome position (GRCh38, 1-based): chr16:2,088,100, C>T. VCF-style: chr16-2088100-C-T. GRCh37 (hg19) VCF-style: chr16-2138101-C-T.
Other names: c.4920C>T, p.Asn1640= (NM_001077183.3); c.5052C>T, p.Asn1684= (NM_001114382.3); c.4812C>T, p.Asn1604= (NM_001318827.2); c.4776C>T, p.Asn1592= (NM_001318829.2); c.4389C>T, p.Asn1463= (NM_001318831.2); c.4953C>T, p.Asn1651= (NM_001318832.2); c.4923C>T, p.Asn1641= (NM_001363528.2); c.4989C>T, p.Asn1663= (NM_001370404.1); and 26 more.
Identifiers: ClinVar variation 2774667 (VCV002774667.7), dbSNP rs2151621840, ClinGen allele CA493043660.

ClinVar aggregate classification (germline): Benign/Likely benign. Review status: criteria provided, multiple submitters, no conflicts (2 of 4 stars). 5 submissions from 5 submitters: Benign (1); Likely benign (4). Last evaluated 2025-06-06.

Conditions:
Tuberous sclerosis syndrome (TSC). Also called: Tuberous Sclerosis Complex; Tuberous sclerosis. Identifiers: Orphanet 805, MedGen C0041341, MONDO:0001734.
Tuberous sclerosis 2 (TSC2). Identifiers: Orphanet 805, MedGen C1860707, MONDO:0013199, OMIM 613254.
Hereditary cancer-predisposing syndrome. Also called: Hereditary Cancer Syndrome; Hereditary neoplastic syndrome; Tumor predisposition; Neoplastic Syndromes, Hereditary. Identifiers: Orphanet 140162, MedGen C0027672, MeSH D009386, MONDO:0015356.

Submissions (5):

Myriad Genetics, Inc.
Classification: Benign for Tuberous sclerosis 2. Last evaluated: 2025-06-06. Review status: criteria provided, single submitter. Criteria: Myriad Autosomal Dominant, Autosomal Recessive and X-Linked Classification Criteria (2023). Collection method: clinical testing. Allele origin: unknown.
Comment: This variant is considered benign. This variant is a silent/synonymous amino acid change and it is not expected to impact splicing.

Labcorp Genetics (formerly Invitae), Labcorp
Classification: Likely benign for Tuberous sclerosis 2. Last evaluated: 2024-11-18. Review status: criteria provided, single submitter. Criteria: Invitae Variant Classification Sherloc (09022015). Collection method: clinical testing. Allele origin: germline.

Ambry Genetics
Classification: Likely benign for Hereditary cancer-predisposing syndrome. Last evaluated: 2024-02-01. Review status: criteria provided, single submitter. Criteria: Ambry Variant Classification Scheme 2023. Collection method: clinical testing. Allele origin: germline.

All of Us Research Program, National Institutes of Health
Classification: Likely benign for Tuberous sclerosis syndrome. Last evaluated: 2023-08-15. Review status: criteria provided, single submitter. Criteria: ACMG Guidelines, 2015. Collection method: clinical testing. Allele origin: germline. Inheritance: Autosomal dominant inheritance. Observed: 1 variant allele, 1 heterozygote.
Comment: This study involves interpretation of variants in research participants for the purpose of population health screening. Participant phenotype was not available at the time of variant classification. Additional details can be found in publication PMID: 35346344, PMCID: PMC8962531

Color Diagnostics, LLC DBA Color Health
Classification: Likely benign for Tuberous sclerosis syndrome. Last evaluated: 2023-03-29. Review status: criteria provided, single submitter. Criteria: ACMG Guidelines, 2015. Collection method: clinical testing. Allele origin: germline.